The following is an entry in ClinVar:

NM_052947.4(ALPK2):c.4925C>A (p.Pro1642His)

Gene: ALPK2 (alpha kinase 2; minus strand). Cytogenetic location: 18q21.31.
Variant type: single nucleotide variant.
Coding change: c.4925C>A on transcript NM_052947.4 (MANE Select); coding-DNA position 4925, C replaced by A.
Protein change: p.Pro1642His; replaces proline 1642 with histidine.
Molecular consequence: missense variant.
Genome position (GRCh38, 1-based): chr18:58,535,262, G>T on the plus strand (C>A on the coding strand, the complement: ALPK2 is on the minus strand). VCF-style: chr18-58535262-G-T. GRCh37 (hg19) VCF-style: chr18-56202494-G-T.
Other names: short protein forms P1642H.
Identifiers: ClinVar variation 1744151 (VCV001744151.3), dbSNP rs1449839904, ClinGen allele CA402559239.

ClinVar aggregate classification (germline): Uncertain significance (1 of 4 stars; one submission).

Allele frequency attached by ClinVar (database versions not stated): TOPMed below 0.00001; gnomAD 0.00001.
gnomAD v4.1: 2 of 1,614,034 alleles (0.00012%); highest among the groups gnomAD compares: African/African-American, 0.0027%; no homozygotes.

Submission:

Ambry Genetics
Classification: Uncertain significance. Last evaluated: 2024-10-27. Review status: criteria provided, single submitter. Criteria: Ambry Variant Classification Scheme 2023. Collection method: clinical testing. Allele origin: germline.
Comment: The p.P1642H variant (also known as c.4925C>A), located in coding exon 4 of the ALPK2 gene, results from a C to A substitution at nucleotide position 4925. The proline at codon 1642 is replaced by histidine, an amino acid with similar properties. This amino acid position is conserved. In addition, this alteration is predicted to be tolerated by in silico analysis. Since supporting evidence is limited at this time, the clinical significance of this alteration remains unclear.